The following is an entry in ClinVar:

ClinVar aggregate classification (germline): Uncertain significance. Review status: criteria provided, multiple submitters, no conflicts (2 of 4 stars). 2 submissions from 2 submitters: Uncertain significance (2). Last evaluated 2023-05-19.

Conditions:
Alstrom syndrome (ALMS). Identifiers: Orphanet 64, MedGen C0268425, MONDO:0008763, OMIM 203800.
Cardiovascular phenotype. Identifiers: MedGen CN230736.

Allele frequency attached by ClinVar (database versions not stated): TOPMed below 0.00001; gnomAD 0.00001.
gnomAD v4.1: 1 of 1,613,918 alleles (0.000062%); highest among the groups gnomAD compares: African/African-American, 0.0013%; no homozygotes.

Submissions (2):

Ambry Genetics
Classification: Uncertain significance for Cardiovascular phenotype. Last evaluated: 2023-05-19. Review status: criteria provided, single submitter. Criteria: Ambry Variant Classification Scheme 2023. Collection method: clinical testing. Allele origin: germline.
Comment: The p.K4133Q variant (also known as c.12397A>C), located in coding exon 22 of the ALMS1 gene, results from an A to C substitution at nucleotide position 12397. The lysine at codon 4133 is replaced by glutamine, an amino acid with similar properties. This amino acid position is well conserved in available vertebrate species. In addition, this alteration is predicted to be tolerated by in silico analysis. Since supporting evidence is limited at this time, the clinical significance of this alteration remains unclear.

Labcorp Genetics (formerly Invitae), Labcorp
Classification: Uncertain significance for Alstrom syndrome. Last evaluated: 2022-07-15. Review status: criteria provided, single submitter. Criteria: Invitae Variant Classification Sherloc (09022015). Collection method: clinical testing. Allele origin: germline.
Comment: This variant is present in population databases (no rsID available, gnomAD 0.007%). In summary, the available evidence is currently insufficient to determine the role of this variant in disease. Therefore, it has been classified as a Variant of Uncertain Significance. Experimental studies and prediction algorithms are not available or were not evaluated, and the functional significance of this variant is currently unknown. This variant has not been reported in the literature in individuals affected with ALMS1-related conditions. This sequence change replaces lysine, which is basic and polar, with glutamine, which is neutral and polar, at codon 4133 of the ALMS1 protein (p.Lys4133Gln).

NM_001378454.1(ALMS1):c.12394A>C (p.Lys4132Gln)

Gene: ALMS1 (ALMS1 centrosome and basal body associated protein; plus strand). Cytogenetic location: 2p13.1.
Variant type: single nucleotide variant.
Coding change: c.12394A>C on transcript NM_001378454.1 (MANE Select); coding-DNA position 12394, A replaced by C.
Protein change: p.Lys4132Gln; replaces lysine 4132 with glutamine.
Molecular consequence: missense variant.
Genome position (GRCh38, 1-based): chr2:73,608,506, A>C. VCF-style: chr2-73608506-A-C. GRCh37 (hg19) VCF-style: chr2-73835633-A-C.
Other names: c.12397A>C, p.Lys4133Gln (NM_015120.4); short protein forms K4133Q, K4132Q.
Identifiers: ClinVar variation 1757501 (VCV001757501.6), dbSNP rs1250966282, ClinGen allele CA347274732.
Genomic context (GRCh38, chr2:73,608,506, plus strand): 5'-TCTGTCCTTTCACTGGTGCCATTTCTAAGGATTTATGAGCAGCTTCCAGAAGTACAGAAA[A>C]AGAGAGAAGAAGAGAAGAGAAAATCAGAATATAAGTCATACCGGCTGCGAGCCCAGCTAT-3'
Protein context (NP_001365383.1, residues 4122-4142): IYEQLPEVQK[Lys4132Gln]REEEKRKSEY